The following is an entry in ClinVar:

NM_001170629.2(CHD8):c.5518G>A (p.Asp1840Asn)

Gene: CHD8 (chromodomain helicase DNA binding protein 8; minus strand). Cytogenetic location: 14q11.2.
Variant type: single nucleotide variant.
Coding change: c.5518G>A on transcript NM_001170629.2 (MANE Select); coding-DNA position 5518, G replaced by A.
Protein change: p.Asp1840Asn; replaces aspartic acid 1840 with asparagine.
Molecular consequence: missense variant.
Genome position (GRCh38, 1-based): chr14:21,394,358, C>T on the plus strand (G>A on the coding strand, the complement: CHD8 is on the minus strand). VCF-style: chr14-21394358-C-T. GRCh37 (hg19) VCF-style: chr14-21862517-C-T.
Other names: c.4681G>A, p.Asp1561Asn (NM_020920.4); short protein forms D1561N, D1840N.
Identifiers: ClinVar variation 1305792 (VCV001305792.2), dbSNP rs1031408052, ClinGen allele CA257594034.
Genomic context (GRCh38, chr14:21,394,358, plus strand): 5'-GGCGGCATACTTGGCGGCACATGGCCACAAAGCCATGGAAGTACTTGGTAAGGCTTTCAT[C>T]TGTCTTTTTGTCTAGTCGAGCAAAAGTGCGGAAGCGATCCCAATGGAACTGCATGGTGTC-3'
Protein context (NP_001164100.1, residues 1830-1850): RTFARLDKKT[Asp1840Asn]ESLTKYFHGF

ClinVar aggregate classification (germline): Uncertain significance (1 of 4 stars; one submission).

Allele frequency attached by ClinVar (database versions not stated): gnomAD 0.00001; TOPMed 0.00001.
gnomAD v4.1: 1 of 1,613,870 alleles (0.000062%); highest among the groups gnomAD compares: African/African-American, 0.0013%; no homozygotes.

Submission:

GeneDx
Classification: Uncertain significance. Last evaluated: 2019-06-15. Review status: criteria provided, single submitter. Criteria: GeneDx Variant Classification Process June 2021. Collection method: clinical testing. Allele origin: germline. Affected: yes.
Comment: Not observed in large population cohorts (Lek et al., 2016); In silico analysis, which includes protein predictors and evolutionary conservation, supports a deleterious effect; Has not been previously published as pathogenic or benign to our knowledge